The following is an entry in ClinVar:

NC_012920.1(MT-ND2):m.5451A>G

Gene: MT-ND2 (mitochondrially encoded NADH dehydrogenase 2; plus strand).
Variant type: single nucleotide variant.
Genome position: chrM-5451-A-G.
Identifiers: ClinVar variation 692589 (VCV000692589.1), dbSNP rs1603219965, ClinGen allele CA414780403.

ClinVar aggregate classification (germline): Uncertain significance (1 of 4 stars; one submission).

Conditions:
Leigh syndrome (NULS). Also called: Leigh's necrotizing encephalopathy; Leigh's disease; Leigh Syndrome (mtDNA deletion); Leigh Disease; Subacute necrotizing encephalopathy; Necrotizing encephalopathy infantile subacute of Leigh. Identifiers: Orphanet 506, MedGen C2931891, MONDO:0009723, OMIM 256000.

Submission:

Wong Mito Lab, Molecular and Human Genetics, Baylor College of Medicine
Classification: Uncertain significance for Leigh syndrome. Last evaluated: 2019-10-17. Review status: criteria provided, single submitter. Criteria: Modified ACMG Guidelines (Unpublished). Collection method: clinical testing. Allele origin: germline.
Comment: The NC_012920.1:m.5451A>G (YP_003024027.1:p.Thr328Ala) variant in MTND2 gene is interpretated to be a Uncertain Significance variant based on the modified ACMG guidelines (unpublished). This variant meets the following evidence codes: BP4